The following is an entry in ClinVar:

NM_002474.3(MYH11):c.530+2T>C

Gene: MYH11 (myosin heavy chain 11; minus strand). Cytogenetic location: 16p13.11.
Variant type: single nucleotide variant.
Coding change: c.530+2T>C on transcript NM_002474.3 (MANE Select); the canonical splice donor site of the intron after coding-DNA position 530, T replaced by C.
Molecular consequence: splice donor variant.
Genome position (GRCh38, 1-based): chr16:15,798,658, A>G on the plus strand (T>C on the coding strand, the complement: MYH11 is on the minus strand). VCF-style: chr16-15798658-A-G. GRCh37 (hg19) VCF-style: chr16-15892515-A-G.
Other names: c.530+2T>C (NM_022844.3, NM_001040114.2, NM_001040113.2).
Identifiers: ClinVar variation 3720118 (VCV003720118.2).

ClinVar aggregate classification (germline): Likely pathogenic (1 of 4 stars; one submission).

Conditions:
Aortic aneurysm, familial thoracic 4 (AAT4). Also called: AORTIC ANEURYSM/AORTIC DISSECTION AND PATENT DUCTUS ARTERIOSUS. Identifiers: MedGen C1851504, MONDO:0007568, OMIM 132900.

gnomAD v4.1: 10 of 1,605,088 alleles (0.00062%); highest among the groups gnomAD compares: South Asian, 0.01%; no homozygotes.

Submission:

Labcorp Genetics (formerly Invitae), Labcorp
Classification: Likely pathogenic for Aortic aneurysm, familial thoracic 4. Last evaluated: 2024-10-28. Review status: criteria provided, single submitter. Criteria: Invitae Variant Classification Sherloc (09022015). Collection method: clinical testing. Allele origin: germline.
Comment: This sequence change affects a donor splice site in intron 4 of the MYH11 gene. It is expected to disrupt RNA splicing. Variants that disrupt the donor or acceptor splice site typically lead to a loss of protein function (PMID: 16199547), and loss-of-function variants in MYH11 are known to be pathogenic (PMID: 25407000, 29575632). The frequency data for this variant in the population databases is considered unreliable, as metrics indicate poor data quality at this position in the gnomAD database. This variant has not been reported in the literature in individuals affected with MYH11-related conditions. Algorithms developed to predict the effect of sequence changes on RNA splicing suggest that this variant may disrupt the consensus splice site. In summary, the currently available evidence indicates that the variant is pathogenic, but additional data are needed to prove that conclusively. Therefore, this variant has been classified as Likely Pathogenic.

Literature cited by the submitters: PubMed 16199547; PubMed 25407000; PubMed 29575632.